The following is an entry in ClinVar:

NM_033026.6(PCLO):c.12233G>A (p.Arg4078His)

Gene: PCLO (piccolo presynaptic cytomatrix protein; minus strand). Cytogenetic location: 7q21.11.
Variant type: single nucleotide variant.
Coding change: c.12233G>A on transcript NM_033026.6 (MANE Select); coding-DNA position 12233, G replaced by A.
Protein change: p.Arg4078His; replaces arginine 4078 with histidine.
Molecular consequence: missense variant.
Genome position (GRCh38, 1-based): chr7:82,915,753, C>T on the plus strand (G>A on the coding strand, the complement: PCLO is on the minus strand). VCF-style: chr7-82915753-C-T. GRCh37 (hg19) VCF-style: chr7-82545069-C-T.
Other names: c.12233G>A, p.Arg4078His (NM_014510.3); short protein forms R4078H.
Identifiers: ClinVar variation 1477927 (VCV001477927.6), dbSNP rs776696773, ClinGen allele CA4319414.
Genomic context (GRCh38, chr7:82,915,753, plus strand): 5'-AAAGGTGCTAGGAAATCTGTCACTTCTTGAGACCGGCGTGTCTCAGTGGTTCGAAGGAGA[C>T]GGTCTGTTTTTGACAGATCCTTTTCATGAAGGCTAAATGCGGTGCTTAATGCCGCTGTTC-3'
Protein context (NP_149015.2, residues 4068-4088): LHEKDLSKTD[Arg4078His]LLRTTETRRS

ClinVar aggregate classification (germline): Uncertain significance (1 of 4 stars; one submission).

Allele frequency attached by ClinVar (database versions not stated): gnomAD exomes 0.00002 and 0.00003; gnomAD 0.00003; ExAC 0.00004; TOPMed 0.00005.
gnomAD v4.1: 30 of 1,611,846 alleles (0.0019%); highest among the groups gnomAD compares: African/African-American, 0.0053%; no homozygotes.

Submission:

Labcorp Genetics (formerly Invitae), Labcorp
Classification: Uncertain significance. Last evaluated: 2023-12-13. Review status: criteria provided, single submitter. Criteria: Invitae Variant Classification Sherloc (09022015). Collection method: clinical testing. Allele origin: germline.
Comment: This sequence change replaces arginine, which is basic and polar, with histidine, which is basic and polar, at codon 4078 of the PCLO protein (p.Arg4078His). This variant is present in population databases (rs776696773, gnomAD 0.006%). This missense change has been observed in individual(s) with autism spectrum disorder (PMID: 31981491). ClinVar contains an entry for this variant (Variation ID: 1477927). Algorithms developed to predict the effect of missense changes on protein structure and function output the following: SIFT: "Not Available"; PolyPhen-2: "Not Available"; Align-GVGD: "Not Available". The histidine amino acid residue is found in multiple mammalian species, which suggests that this missense change does not adversely affect protein function. In summary, the available evidence is currently insufficient to determine the role of this variant in disease. Therefore, it has been classified as a Variant of Uncertain Significance.

Literature cited by the submitters: PubMed 31981491.